The following is an entry in ClinVar:

ClinVar aggregate classification (germline): Uncertain significance (1 of 4 stars; one submission).

Allele frequency attached by ClinVar (database versions not stated): gnomAD exomes 0.00003.
gnomAD v4.1: 19 of 1,612,652 alleles (0.0012%); highest among the groups gnomAD compares: Middle Eastern, 0.3%; 1 homozygote.

Submission:

GeneDx
Classification: Uncertain significance. Last evaluated: 2019-09-10. Review status: criteria provided, single submitter. Criteria: GeneDx Variant Classification Process June 2021. Collection method: clinical testing. Allele origin: germline. Affected: yes.
Comment: Not observed in large population cohorts (Lek et al., 2016); In silico analysis, which includes protein predictors and evolutionary conservation, supports that this variant does not alter protein structure/function; Has not been previously published as pathogenic or benign to our knowledge

NM_001122659.3(EDNRB):c.1009C>T (p.Leu337Phe)

Genes: EDNRB (endothelin receptor type B; minus strand), EDNRB-AS1 (EDNRB antisense RNA 1; plus strand). Cytogenetic location: 13q22.3.
Variant type: single nucleotide variant.
Coding change: c.1009C>T on transcript NM_001122659.3 (MANE Select); coding-DNA position 1009, C replaced by T.
Protein change: p.Leu337Phe; replaces leucine 337 with phenylalanine.
Molecular consequence: missense variant.
Genome position (GRCh38, 1-based): chr13:77,900,597, G>A on the plus strand (C>T on the coding strand, the complement: EDNRB is on the minus strand). VCF-style: chr13-77900597-G-A. GRCh37 (hg19) VCF-style: chr13-78474732-G-A.
Other names: c.1009C>T, p.Leu337Phe (NM_000115.5, NM_003991.4); c.1279C>T, p.Leu427Phe (NM_001201397.2); short protein forms L337F, L427F.
Identifiers: ClinVar variation 1304467 (VCV001304467.2), dbSNP rs866808412, ClinGen allele CA253048092.